The following is an entry in ClinVar:

NM_001330288.2(SMARCC2):c.1394A>G (p.Tyr465Cys)

Gene: SMARCC2 (SWI/SNF related BAF chromatin remodeling complex subunit C2; minus strand). Cytogenetic location: 12q13.2.
Variant type: single nucleotide variant.
Coding change: c.1394A>G on transcript NM_001330288.2 (MANE Select); coding-DNA position 1394, A replaced by G.
Protein change: p.Tyr465Cys; replaces tyrosine 465 with cysteine.
Molecular consequence: missense variant.
Genome position (GRCh38, 1-based): chr12:56,174,753, T>C on the plus strand (A>G on the coding strand, the complement: SMARCC2 is on the minus strand). VCF-style: chr12-56174753-T-C. GRCh37 (hg19) VCF-style: chr12-56568537-T-C.
Other names: c.1394A>G, p.Tyr465Cys (NM_001130420.3, NM_003075.5, NM_139067.4); short protein forms Y465C.
Identifiers: ClinVar variation 4846935 (VCV004846935.1).
Genomic context (GRCh38, chr12:56,174,753, plus strand): 5'-GCGGTAGAGGTAAGATACTCTTGGGGGTTCAGTCGGTAAGTGTCAATCATAAAGTTTCGA[T>C]AGGCCAGGTAGCTTAGAAGAAAGAGAGAGAGAAACAAGAAGAAGAAAAATAAATGTTTGT-3'
Protein context (NP_001317217.1, residues 455-475): KSKTPEIYLA[Tyr465Cys]RNFMIDTYRL

ClinVar aggregate classification (germline): Uncertain significance (1 of 4 stars; one submission).

Conditions:
Coffin-Siris syndrome 8. Identifiers: MedGen C5193054, MONDO:0032702, OMIM 618362.

Submission:

Laboratorio de Genetica e Diagnostico Molecular, Hospital Israelita Albert Einstein
Classification: Uncertain significance for Coffin-Siris syndrome 8. Last evaluated: 2026-03-23. Review status: criteria provided, single submitter. Criteria: ACMG Guidelines, 2015. Collection method: clinical testing. Allele origin: germline. Affected: yes.
Comment: ACMG classification criteria: PM2 supporting, PP2 supporting, PP3 supporting